The following is an entry in ClinVar:

ClinVar aggregate classification (germline): Uncertain significance (1 of 4 stars; one submission).

Allele frequency attached by ClinVar (database versions not stated): TOPMed below 0.00001; gnomAD 0.00001; gnomAD exomes 0.00001; ExAC 0.00002.
gnomAD v4.1: 17 of 1,613,918 alleles (0.0011%); highest among the groups gnomAD compares: Middle Eastern, 0.016%; no homozygotes.

Submission:

Labcorp Genetics (formerly Invitae), Labcorp
Classification: Uncertain significance. Last evaluated: 2025-10-08. Review status: criteria provided, single submitter. Criteria: Invitae Variant Classification Sherloc (09022015). Collection method: clinical testing. Allele origin: germline.
Comment: This sequence change replaces lysine, which is basic and polar, with arginine, which is basic and polar, at codon 218 of the PDHX protein (p.Lys218Arg). This variant is present in population databases (rs762240579, gnomAD 0.005%). This variant has not been reported in the literature in individuals affected with PDHX-related conditions. ClinVar contains an entry for this variant (Variation ID: 1906784). Invitae Evidence Modeling of protein sequence and biophysical properties (such as structural, functional, and spatial information, amino acid conservation, physicochemical variation, residue mobility, and thermodynamic stability) indicates that this missense variant is not expected to disrupt PDHX protein function with a negative predictive value of 80%. In summary, the available evidence is currently insufficient to determine the role of this variant in disease. Therefore, it has been classified as a Variant of Uncertain Significance.

NM_003477.3(PDHX):c.653A>G (p.Lys218Arg)

Gene: PDHX (pyruvate dehydrogenase complex component X; plus strand). Cytogenetic location: 11p13.
Variant type: single nucleotide variant.
Coding change: c.653A>G on transcript NM_003477.3 (MANE Select); coding-DNA position 653, A replaced by G.
Protein change: p.Lys218Arg; replaces lysine 218 with arginine.
Molecular consequence: missense variant. On other transcripts: intron variant (1).
Genome position (GRCh38, 1-based): chr11:34,966,651, A>G. VCF-style: chr11-34966651-A-G. GRCh37 (hg19) VCF-style: chr11-34988198-A-G.
Other names: c.473A>G, p.Lys158Arg (NM_001135024.2); c.343-17919A>G (NM_001166158.2); short protein forms K218R, K158R.
Identifiers: ClinVar variation 1906784 (VCV001906784.3), dbSNP rs762240579, ClinGen allele CA5945954.